The following is an entry in ClinVar:

NM_001184.4(ATR):c.5450C>T (p.Thr1817Ile)

Gene: ATR (ATR checkpoint kinase; minus strand). Cytogenetic location: 3q23.
Variant type: single nucleotide variant.
Coding change: c.5450C>T on transcript NM_001184.4 (MANE Select); coding-DNA position 5450, C replaced by T.
Protein change: p.Thr1817Ile; replaces threonine 1817 with isoleucine.
Molecular consequence: missense variant.
Genome position (GRCh38, 1-based): chr3:142,498,705, G>A on the plus strand (C>T on the coding strand, the complement: ATR is on the minus strand). VCF-style: chr3-142498705-G-A. GRCh37 (hg19) VCF-style: chr3-142217547-G-A.
Other names: c.5258C>T, p.Thr1753Ile (NM_001354579.2); short protein forms T1817I, T1753I.
Identifiers: ClinVar variation 2567792 (VCV002567792.2), dbSNP rs1489316950, ClinGen allele CA354815953.

ClinVar aggregate classification (germline): Uncertain significance (1 of 4 stars; one submission).

Conditions:
Inborn genetic diseases. Identifiers: MedGen C0950123, MeSH D030342.

Submission:

Ambry Genetics
Classification: Uncertain significance for Inborn genetic diseases. Last evaluated: 2023-03-31. Review status: criteria provided, single submitter. Criteria: Ambry Variant Classification Scheme 2023. Collection method: clinical testing. Allele origin: germline.
Comment: The p.T1817I variant (also known as c.5450C>T), located in coding exon 32 of the ATR gene, results from a C to T substitution at nucleotide position 5450. The threonine at codon 1817 is replaced by isoleucine, an amino acid with similar properties. This amino acid position is conserved. In addition, this alteration is predicted to be tolerated by in silico analysis. Since supporting evidence is limited at this time, the clinical significance of this alteration remains unclear.